The following is an entry in ClinVar:

ClinVar aggregate classification (germline): Benign. Review status: criteria provided, multiple submitters, no conflicts (2 of 4 stars). 7 submissions from 7 submitters: Benign (4). 3 of the submissions do not count toward it. Last evaluated 2026-01-27.

Allele frequency attached by ClinVar (database versions not stated): gnomAD 0.00908 and 0.00844; TOPMed 0.00943; 1000 Genomes Project 0.00879; 1000 Genomes Project 30x 0.00890; gnomAD exomes 0.00096 and 0.00211; ExAC 0.00285; ESP Exome Variant Server 0.00823.
gnomAD v4.1: 2,734 of 1,607,250 alleles (0.17%); highest among the groups gnomAD compares: African/African-American, 3%; 30 homozygotes.

Submissions (7):

Labcorp Genetics (formerly Invitae), Labcorp
Classification: Benign. Last evaluated: 2026-01-27. Review status: criteria provided, single submitter. Criteria: Invitae Variant Classification Sherloc (09022015). Collection method: clinical testing. Allele origin: germline.

Athena Diagnostics
Classification: Benign. Last evaluated: 2018-11-21. Review status: criteria provided, single submitter. Criteria: Athena Diagnostics Criteria. Collection method: clinical testing. Allele origin: germline.

GeneDx
Classification: Benign. Last evaluated: 2016-01-04. Review status: criteria provided, single submitter. Criteria: GeneDx Variant Classification (06012015). Collection method: clinical testing. Allele origin: germline. Affected: yes.
Comment: This variant is considered likely benign or benign based on one or more of the following criteria: it is a conservative change, it occurs at a poorly conserved position in the protein, it is predicted to be benign by multiple in silico algorithms, and/or has population frequency not consistent with disease.

Breakthrough Genomics
Classification: Benign. Review status: criteria provided, single submitter. Criteria: ACMG Guidelines, 2015. Collection method: not provided. Allele origin: germline. Inheritance: Autosomal dominant inheritance. Affected: yes.

Clinical Genetics DNA and cytogenetics Diagnostics Lab, Erasmus MC, Erasmus Medical Center
Classification: Benign. Review status: no assertion criteria provided. Collection method: clinical testing. Allele origin: germline. Affected: yes. Study: VKGL Data-share Consensus. Not counted in ClinVar's aggregate classification.

Epithelial Biology;  Institute of Medical Biology, Singapore
No classification provided. Review status: no classification provided. Collection method: not provided. Allele origin: not provided. Not counted in ClinVar's aggregate classification.

Laboratory of Diagnostic Genome Analysis, Leiden University Medical Center (LUMC)
Classification: Likely benign. Review status: no assertion criteria provided. Collection method: clinical testing. Allele origin: germline. Affected: yes. Study: VKGL Data-share Consensus. Not counted in ClinVar's aggregate classification.

NM_002055.5(GFAP):c.96T>C (p.Gly32=)

Gene: GFAP (glial fibrillary acidic protein; minus strand). Cytogenetic location: 17q21.31.
Variant type: single nucleotide variant.
Coding change: c.96T>C on transcript NM_002055.5 (MANE Select); coding-DNA position 96, T replaced by C.
Protein change: p.Gly32=; no amino-acid change (glycine 32 retained).
Molecular consequence: synonymous variant.
Genome position (GRCh38, 1-based): chr17:44,915,391, A>G on the plus strand (T>C on the coding strand, the complement: GFAP is on the minus strand). VCF-style: chr17-44915391-A-G. GRCh37 (hg19) VCF-style: chr17-42992759-A-G.
Other names: c.96T>C, p.Gly32= (NM_001131019.3, NM_001242376.3, NM_001363846.2).
Identifiers: ClinVar variation 66512 (VCV000066512.16), dbSNP rs60045579, ClinGen allele CA217231.